The following is an entry in ClinVar:

NM_000169.3(GLA):c.724A>T (p.Ile242Phe)

Genes: GLA (galactosidase alpha; minus strand), RPL36A-HNRNPH2 (RPL36A-HNRNPH2 readthrough; plus strand). Cytogenetic location: Xq22.1.
Variant type: single nucleotide variant.
Coding change: c.724A>T on transcript NM_000169.3 (MANE Select); coding-DNA position 724, A replaced by T.
Protein change: p.Ile242Phe; replaces isoleucine 242 with phenylalanine.
Molecular consequence: missense variant. On other transcripts: non-coding transcript variant (3), intron variant (2).
Genome position (GRCh38, 1-based): chrX:101,398,862, T>A on the plus strand (A>T on the coding strand, the complement: GLA is on the minus strand). VCF-style: chrX-101398862-T-A. GRCh37 (hg19) VCF-style: chrX-100653850-T-A.
Other names: c.847A>T, p.Ile283Phe (NM_001406747.1); c.724A>T, p.Ile242Phe (NM_001406748.1); c.300+3405T>A (NM_001199973.2); c.177+7040T>A (NM_001199974.2); short protein forms I242F, I283F.
Identifiers: ClinVar variation 42461 (VCV000042461.6), dbSNP rs397515873, ClinGen allele CA022013.

ClinVar aggregate classification (germline): Conflicting classifications of pathogenicity. Review status: criteria provided, conflicting classifications (1 of 4 stars). 2 submissions from 2 submitters: Likely pathogenic (1); Uncertain significance (1). Last evaluated 2026-09-08.

Conditions:
Fabry disease. Also called: CERAMIDE TRIHEXOSIDASE DEFICIENCY; ALPHA-GALACTOSIDASE A DEFICIENCY; ANDERSON-FABRY DISEASE; GLA DEFICIENCY; HEREDITARY DYSTOPIC LIPIDOSIS; Fabry's disease. Identifiers: Orphanet 324, MedGen C0002986, MONDO:0010526, OMIM 301500, HP:0001071. Disease mechanism: Fabry disease is due to inactivating mutations in the X-linked GLA gene resulting in deficiency of the enzyme Alpha Galactosidase-A., loss of function.

Submissions (2):

Genomenon, Inc
Classification: Likely pathogenic for Fabry disease. Last evaluated: 2026-09-08. Review status: criteria provided, single submitter. Criteria: Genomenon Sequence Variant Interpretation Standards - Updated. Collection method: curation. Allele origin: germline. Affected: no.
Comment: GLA p.Ile242Phe (c.724A>T) is a missense variant that changes the amino acid at codon 242 from Isoleucine to Phenylalanine. To our knowledge, this variant has not been reported in patients affected with Fabry disease in the published literature. At least one functional study has demonstrated a substantial alteration in protein function relative to the wild-type (PMID:27657681). It is absent or not present at a significant frequency in gnomAD. In silico models predict that this variant is possibly or probably damaging. In conclusion, we classify GLA p.Ile242Phe (c.724A>T) as a likely pathogenic variant.

Laboratory for Molecular Medicine, Mass General Brigham Personalized Medicine
Classification: Uncertain significance. Last evaluated: 2018-01-29. Review status: criteria provided, single submitter. Criteria: LMM Criteria. Collection method: clinical testing. Allele origin: germline. Inheritance: X-linked inheritance. Observed: 3 variant alleles.
Comment: proposed classification - variant undergoing re-assessment, contact laboratory

Literature cited by the submitters: PubMed 27657681 (cited by Genomenon, Inc).